The following is an entry in ClinVar:

ClinVar aggregate classification (germline): Likely benign. Review status: criteria provided, multiple submitters, no conflicts (2 of 4 stars). 3 submissions from 3 submitters: Likely benign (3). Last evaluated 2025-07-21.

Conditions:
Developmental and epileptic encephalopathy, 23 (DEE23). Also called: Epileptic encephalopathy, early infantile, 23. Identifiers: Orphanet 411986, MedGen C4014492, MONDO:0014371, OMIM 615859.

Allele frequency attached by ClinVar (database versions not stated): ExAC 0.00001; gnomAD 0.00001; gnomAD exomes 0.00001; TOPMed 0.00002.
gnomAD v4.1: 15 of 1,613,508 alleles (0.00093%); highest among the groups gnomAD compares: Non-Finnish European, 0.0013%; no homozygotes.

Submissions (3):

Labcorp Genetics (formerly Invitae), Labcorp
Classification: Likely benign for Developmental and epileptic encephalopathy, 23. Last evaluated: 2025-07-21. Review status: criteria provided, single submitter. Criteria: Invitae Variant Classification Sherloc (09022015). Collection method: clinical testing. Allele origin: germline.

Genome-Nilou Lab
Classification: Likely benign for Developmental and epileptic encephalopathy, 23. Last evaluated: 2023-04-11. Review status: criteria provided, single submitter. Criteria: ACMG Guidelines, 2015. Collection method: clinical testing. Allele origin: germline. Affected: no.

CeGaT Center for Human Genetics Tuebingen
Classification: Likely benign. Last evaluated: 2022-11-01. Review status: criteria provided, single submitter. Criteria: CeGaT Center For Human Genetics Tuebingen Variant Classification Criteria Version 2. Collection method: clinical testing. Allele origin: germline. Affected: yes. Observed: 1 variant allele.
Comment: DOCK7: BP4, BP7

NM_001367561.1(DOCK7):c.3486T>G (p.Ser1162=)

Gene: DOCK7 (dedicator of cytokinesis 7; minus strand). Cytogenetic location: 1p31.3.
Variant type: single nucleotide variant.
Coding change: c.3486T>G on transcript NM_001367561.1 (MANE Select); coding-DNA position 3486, T replaced by G.
Protein change: p.Ser1162=; no amino-acid change (serine 1162 retained).
Molecular consequence: synonymous variant.
Genome position (GRCh38, 1-based): chr1:62,535,618, A>C on the plus strand (T>G on the coding strand, the complement: DOCK7 is on the minus strand). VCF-style: chr1-62535618-A-C. GRCh37 (hg19) VCF-style: chr1-63001289-A-C.
Other names: c.3486T>G, p.Ser1162= (NM_001271999.2, NM_001330614.2); c.3393T>G, p.Ser1131= (NM_001272000.2, NM_001272001.2, NM_033407.4).
Identifiers: ClinVar variation 2064101 (VCV002064101.28), dbSNP rs760664591, ClinGen allele CA885976.